The following is an entry in ClinVar:

NM_014915.3(ANKRD26):c.1885G>A (p.Val629Met)

Gene: ANKRD26 (ankyrin repeat domain 26; minus strand). Cytogenetic location: 10p12.1.
Variant type: single nucleotide variant.
Coding change: c.1885G>A on transcript NM_014915.3 (MANE Select); coding-DNA position 1885, G replaced by A.
Protein change: p.Val629Met; replaces valine 629 with methionine.
Molecular consequence: missense variant.
Genome position (GRCh38, 1-based): chr10:27,046,453, C>T on the plus strand (G>A on the coding strand, the complement: ANKRD26 is on the minus strand). VCF-style: chr10-27046453-C-T. GRCh37 (hg19) VCF-style: chr10-27335382-C-T.
Other names: c.1882G>A, p.Val628Met (NM_001256053.2); short protein forms V628M, V629M.
Identifiers: ClinVar variation 3871546 (VCV003871546.3).

ClinVar aggregate classification (germline): Uncertain significance. Review status: criteria provided, multiple submitters, no conflicts (2 of 4 stars). 2 submissions from 2 submitters: Uncertain significance (2). Last evaluated 2025-06-17.

Conditions:
Inborn genetic diseases. Identifiers: MedGen C0950123, MeSH D030342.
Thrombocytopenia 2 (THC2). Also called: ANKRD26-Related Thrombocytopenia. Identifiers: Orphanet 268322, MedGen C1861185, MONDO:0008555, OMIM 188000.

Submissions (2):

St. Jude Molecular Pathology, St. Jude Children's Research Hospital
Classification: Uncertain significance for Thrombocytopenia 2. Last evaluated: 2025-06-17. Review status: criteria provided, single submitter. Criteria: St. Jude Assertion Criteria 2020. Collection method: clinical testing. Allele origin: germline.
Comment: The ANKRD26 c.1885G>A p.(Val629Met) missense change is absent in gnomAD v2.1.1. This variant is not located in the 5' UTR. The in silico tool REVEL predicts a benign effect on protein function, but to our knowledge this prediction has not been confirmed by functional studies. To our knowledge, this variant has not been reported in individuals with ANKRD26-related thrombocytopenia. In summary, the evidence currently available is insufficient to determine the clinical significance of this variant. It has therefore been classified as of uncertain significance.

Ambry Genetics
Classification: Uncertain significance for Inborn genetic diseases. Last evaluated: 2025-02-21. Review status: criteria provided, single submitter. Criteria: Ambry Variant Classification Scheme 2023. Collection method: clinical testing. Allele origin: germline.
Comment: The p.V629M variant (also known as c.1885G>A), located in coding exon 18 of the ANKRD26 gene, results from a G to A substitution at nucleotide position 1885. The valine at codon 629 is replaced by methionine, an amino acid with highly similar properties. This amino acid position is conserved. In addition, this alteration is predicted to be tolerated by in silico analysis. Based on the available evidence, the clinical significance of this variant remains unclear.